The following is an entry in ClinVar:

ClinVar aggregate classification (germline): Uncertain significance (1 of 4 stars; one submission).

Allele frequency attached by ClinVar (database versions not stated): gnomAD 0.00080; 1000 Genomes Project 30x 0.00016; 1000 Genomes Project 0.00020; TOPMed 0.00066; ExAC 0.00139.
gnomAD v4.1: 1,773 of 1,602,544 alleles (0.11%); highest among the groups gnomAD compares: Non-Finnish European, 0.14%; 4 homozygotes.

Submission:

Labcorp Genetics (formerly Invitae), Labcorp
Classification: Uncertain significance. Last evaluated: 2024-05-15. Review status: criteria provided, single submitter. Criteria: Invitae Variant Classification Sherloc (09022015). Collection method: clinical testing. Allele origin: germline.
Comment: This sequence change replaces serine, which is neutral and polar, with arginine, which is basic and polar, at codon 26 of the TMCO1 protein (p.Ser26Arg). This variant is present in population databases (rs566687101, gnomAD 0.1%), and has an allele count higher than expected for a pathogenic variant. This variant has not been reported in the literature in individuals affected with TMCO1-related conditions. ClinVar contains an entry for this variant (Variation ID: 2043710). Algorithms developed to predict the effect of missense changes on protein structure and function output the following: SIFT: "Not Available"; PolyPhen-2: "Possibly Damaging"; Align-GVGD: "Not Available". The arginine amino acid residue is found in multiple mammalian species, which suggests that this missense change does not adversely affect protein function. In summary, the available evidence is currently insufficient to determine the role of this variant in disease. Therefore, it has been classified as a Variant of Uncertain Significance.

NM_019026.6(TMCO1):c.-76C>G

Gene: TMCO1 (transmembrane and coiled-coil domains 1; minus strand). Cytogenetic location: 1q24.1.
Variant type: single nucleotide variant.
Coding change: c.-76C>G on transcript NM_019026.6 (MANE Select); 76 bases upstream of the start codon, C replaced by G.
Molecular consequence: 5 prime UTR variant. On other transcripts: missense variant (1), non-coding transcript variant (1).
Genome position (GRCh38, 1-based): chr1:165,768,827, G>C on the plus strand (C>G on the coding strand, the complement: TMCO1 is on the minus strand). VCF-style: chr1-165768827-G-C. GRCh37 (hg19) VCF-style: chr1-165738064-G-C.
Other names: c.78C>G, p.Ser26Arg (NM_001256164.1); c.-312C>G (NM_001256165.1); short protein forms S26R.
Identifiers: ClinVar variation 2043710 (VCV002043710.3), dbSNP rs566687101, ClinGen allele CA1221821.
Genomic context (GRCh38, chr1:165,768,827, plus strand): 5'-CTGCACTCTCACCCGCCAGGGGGAAAGCGCTCTACAGCCAGGAAAAGTGAAGCGAAAACG[G>C]CTTCCGTAGACTCCGCCACCACCGAGTAACAGACCAACTCTGACAGCCCGAAGATCGCAC-3'